The following is an entry in ClinVar:

NM_015662.3(IFT172):c.3643G>A (p.Asp1215Asn)

Genes: IFT172 (intraflagellar transport 172; minus strand), LOC126806173 (BRD4-independent group 4 enhancer GRCh37_chr2:27676057-27677256; plus strand). Cytogenetic location: 2p23.3.
Variant type: single nucleotide variant.
Coding change: c.3643G>A on transcript NM_015662.3 (MANE Select); coding-DNA position 3643, G replaced by A.
Protein change: p.Asp1215Asn; replaces aspartic acid 1215 with asparagine.
Molecular consequence: missense variant.
Genome position (GRCh38, 1-based): chr2:27,454,050, C>T on the plus strand (G>A on the coding strand, the complement: IFT172 is on the minus strand). VCF-style: chr2-27454050-C-T. GRCh37 (hg19) VCF-style: chr2-27676917-C-T.
Other names: c.3643G>A (NM_015662.2); short protein forms D1215N.
Identifiers: ClinVar variation 1040794 (VCV001040794.8), dbSNP rs777398021, ClinGen allele CA1579909.

ClinVar aggregate classification (germline): Uncertain significance. Review status: criteria provided, multiple submitters, no conflicts (2 of 4 stars). 4 submissions from 4 submitters: Uncertain significance (4). Last evaluated 2026-05-19.

Conditions:
Bardet-Biedl syndrome 20. Identifiers: MedGen C4310707, MONDO:0023670, OMIM 619471, MONDO:0014926.
Retinitis pigmentosa 71 (RP71). Identifiers: Orphanet 791, MedGen C4225342, MONDO:0014618, OMIM 616394.
Short-rib thoracic dysplasia 10 with or without polydactyly (SRTD10). Identifiers: Orphanet 474, MedGen C3810175, MONDO:0014284, OMIM 615630.
IFT172-related disorder. Also called: IFT172-related condition; IFT172-related disorders.

Allele frequency attached by ClinVar (database versions not stated): ExAC 0.00003; gnomAD 0.00005; gnomAD exomes 0.00005 and 0.00006; TOPMed 0.00005.
gnomAD v4.1: 89 of 1,613,978 alleles (0.0055%); highest among the groups gnomAD compares: Non-Finnish European, 0.0073%; no homozygotes.

Submissions (4):

PreventionGenetics, part of Exact Sciences
Classification: Uncertain significance for IFT172-related condition. Last evaluated: 2026-05-19. Review status: criteria provided, single submitter. Criteria: ACMG Guidelines, 2015. Collection method: clinical testing. Allele origin: germline.
Comment: The IFT172 c.3643G>A variant is predicted to result in the amino acid substitution p.Asp1215Asn. To our knowledge, this variant has not been reported in the literature. This variant is reported in 0.011% of alleles in individuals of European (Non-Finnish) descent in gnomAD. At this time, the clinical significance of this variant is uncertain due to the absence of conclusive functional and genetic evidence.

Labcorp Genetics (formerly Invitae), Labcorp
Classification: Uncertain significance for Retinitis pigmentosa 71; Short-rib thoracic dysplasia 10 with or without polydactyly. Last evaluated: 2025-02-03. Review status: criteria provided, single submitter. Criteria: Invitae Variant Classification Sherloc (09022015). Collection method: clinical testing. Allele origin: germline.
Comment: This sequence change replaces aspartic acid, which is acidic and polar, with asparagine, which is neutral and polar, at codon 1215 of the IFT172 protein (p.Asp1215Asn). This variant is present in population databases (rs777398021, gnomAD 0.01%). This variant has not been reported in the literature in individuals affected with IFT172-related conditions. ClinVar contains an entry for this variant (Variation ID: 1040794). Invitae Evidence Modeling of protein sequence and biophysical properties (such as structural, functional, and spatial information, amino acid conservation, physicochemical variation, residue mobility, and thermodynamic stability) indicates that this missense variant is not expected to disrupt IFT172 protein function with a negative predictive value of 95%. In summary, the available evidence is currently insufficient to determine the role of this variant in disease. Therefore, it has been classified as a Variant of Uncertain Significance.

Fulgent Genetics
Classification: Uncertain significance for Short-rib thoracic dysplasia 10 with or without polydactyly; Retinitis pigmentosa 71; Bardet-Biedl syndrome 20. Last evaluated: 2021-10-21. Review status: criteria provided, single submitter. Criteria: ACMG Guidelines, 2015. Collection method: clinical testing. Allele origin: unknown.

Blueprint Genetics
Classification: Uncertain significance. Last evaluated: 2021-10-12. Review status: criteria provided, single submitter. Criteria: ACMG Guidelines, 2015. Collection method: clinical testing. Allele origin: germline.